The following is an entry in ClinVar:

ClinVar aggregate classification (germline): Uncertain significance (1 of 4 stars; one submission).

Conditions:
Hereditary cancer-predisposing syndrome. Also called: Tumor predisposition; Hereditary Cancer Syndrome; Hereditary neoplastic syndrome; Neoplastic Syndromes, Hereditary. Identifiers: Orphanet 140162, MedGen C0027672, MeSH D009386, MONDO:0015356.
Familial thoracic aortic aneurysm and aortic dissection (TAAD). Also called: Thoracic aortic aneurysms and dissections. Identifiers: Orphanet 91387, MedGen C4707243, MONDO:0019625.

Submission:

Ambry Genetics
Classification: Uncertain significance for Hereditary cancer-predisposing syndrome; Familial thoracic aortic aneurysm and aortic dissection. Last evaluated: 2025-11-08. Review status: criteria provided, single submitter. Criteria: Ambry Variant Classification Scheme 2023. Collection method: clinical testing. Allele origin: germline.
Comment: The p.Y114S variant (also known as c.341A>C), located in coding exon 2 of the SMAD4 gene, results from an A to C substitution at nucleotide position 341. The tyrosine at codon 114 is replaced by serine, an amino acid with dissimilar properties. This amino acid position is conserved. In addition, the in silico prediction for this alteration is inconclusive. Based on the available evidence, the clinical significance of this variant remains unclear.

NM_005359.6(SMAD4):c.341A>C (p.Tyr114Ser)

Gene: SMAD4 (SMAD family member 4; plus strand). Cytogenetic location: 18q21.2.
Variant type: single nucleotide variant.
Coding change: c.341A>C on transcript NM_005359.6 (MANE Select); coding-DNA position 341, A replaced by C.
Protein change: p.Tyr114Ser; replaces tyrosine 114 with serine.
Molecular consequence: missense variant. On other transcripts: non-coding transcript variant (2).
Genome position (GRCh38, 1-based): chr18:51,048,777, A>C. VCF-style: chr18-51048777-A-C. GRCh37 (hg19) VCF-style: chr18-48575147-A-C.
Other names: c.341A>C, p.Tyr114Ser (NM_001407041.1, NM_001407042.1, NM_001407043.1); short protein forms Y114S.
Identifiers: ClinVar variation 4559067 (VCV004559067.1).